The following is an entry in ClinVar:

NM_000138.5(FBN1):c.256C>T (p.Arg86Trp)

Gene: FBN1 (fibrillin 1; minus strand). Cytogenetic location: 15q21.1.
Variant type: single nucleotide variant.
Coding change: c.256C>T on transcript NM_000138.5 (MANE Select); coding-DNA position 256, C replaced by T.
Protein change: p.Arg86Trp; replaces arginine 86 with tryptophan.
Molecular consequence: missense variant.
Genome position (GRCh38, 1-based): chr15:48,610,818, G>A on the plus strand (C>T on the coding strand, the complement: FBN1 is on the minus strand). VCF-style: chr15-48610818-G-A. GRCh37 (hg19) VCF-style: chr15-48903015-G-A.
Other names: c.256C>T, p.Arg86Trp (NM_001406716.1, NM_001406717.1); short protein forms R86W.
Identifiers: ClinVar variation 3071952 (VCV003071952.1), dbSNP rs769979790, ClinGen allele CA048069.
Genomic context (GRCh38, chr15:48,610,818, plus strand): 5'-GACCAGATGGGCAAGTGCACATATTTGGCCTCGAACAAAATCCATCCCCACAGGAATGCC[G>A]GCAAATGGCTGTGAATAAACCAGAGGTCTGTTAGCACATGGATTTGGAACACGATTTGTT-3'
Protein context (NP_000129.3, residues 76-96): GGNQCIVPIC[Arg86Trp]HSCGDGFCSR

ClinVar aggregate classification (germline): Uncertain significance (1 of 4 stars; one submission).

Conditions:
Marfan syndrome (MFS). Also called: MARFAN SYNDROME, TYPE I; Marfan syndrome type 1; Marfan's syndrome; Marfan syndrome, classic; FBN1-Related Marfan Syndrome. Identifiers: Orphanet 284963, Orphanet 558, MedGen C0024796, MONDO:0007947, OMIM 154700.

Allele frequency attached by ClinVar (database versions not stated): ExAC 0.00002; gnomAD exomes 0.00001.

Submission:

All of Us Research Program, National Institutes of Health
Classification: Uncertain significance for Marfan syndrome. Last evaluated: 2023-06-26. Review status: criteria provided, single submitter. Criteria: ACMG Guidelines, 2015. Collection method: clinical testing. Allele origin: germline. Inheritance: Autosomal dominant inheritance. Observed: 1 variant allele, 1 heterozygote.
Comment: This missense variant replaces arginine with tryptophan at codon 86 of the FBN1 protein. Computational prediction is inconclusive regarding the impact of this variant on protein structure and function (internally defined REVEL score threshold 0.5 < inconclusive < 0.7, PMID: 27666373). To our knowledge, functional studies have not been reported for this variant. This variant has not been reported in individuals affected with FBN1-related disorders in the literature. This variant has been identified in 3/251096 chromosomes in the general population by the Genome Aggregation Database (gnomAD). The available evidence is insufficient to determine the role of this variant in disease conclusively. Therefore, this variant is classified as a Variant of Uncertain Significance.

This study involves interpretation of variants in research participants for the purpose of population health screening. Participant phenotype was not available at the time of variant classification. Additional details can be found in publication PMID: 35346344, PMCID: PMC8962531